The following is an entry in ClinVar:

NM_006231.4(POLE):c.6118del (p.Ala2040fs)

Gene: POLE (DNA polymerase epsilon, catalytic subunit; minus strand). Cytogenetic location: 12q24.33.
Variant type: Deletion.
Coding change: c.6118del on transcript NM_006231.4 (MANE Select); coding-DNA position 6118, one base deleted (G; older notation c.6118delG).
Protein change: p.Ala2040fs; shifts the reading frame from alanine 2040.
Molecular consequence: frameshift variant.
Genome position (GRCh38, 1-based): chr12:132,632,682, C deleted on the plus strand (G on the coding strand, the reverse complement: POLE is on the minus strand); the first of 5 consecutive C bases (chr12:132,632,682-132,632,686); deleting any one gives the same sequence. VCF-style (leftmost placement, unchanged base first): chr12-132632681-GC-G. GRCh37 (hg19) VCF-style: chr12-133209267-GC-G.
Other names: short protein forms A2040fs.
Identifiers: ClinVar variation 1369980 (VCV001369980.8), dbSNP rs2138463732, ClinGen allele CA2573148232.

ClinVar aggregate classification (germline): Pathogenic (1 of 4 stars; one submission).

Submission:

Labcorp Genetics (formerly Invitae), Labcorp
Classification: Pathogenic. Last evaluated: 2022-05-12. Review status: criteria provided, single submitter. Criteria: Invitae Variant Classification Sherloc (09022015). Collection method: clinical testing. Allele origin: germline.
Comment: This sequence change creates a premature translational stop signal (p.Ala2040Argfs*8) in the POLE gene. It is expected to result in an absent or disrupted protein product. Loss-of-function variants in POLE are known to be pathogenic (PMID: 23230001, 25948378, 30503519). This variant is not present in population databases (gnomAD no frequency). This variant has not been reported in the literature in individuals affected with POLE-related conditions. For these reasons, this variant has been classified as Pathogenic.

Literature cited by the submitters: PubMed 23230001; PubMed 25948378; PubMed 30503519.